The following is an entry in ClinVar:

NM_001394062.1(MACF1):c.21658G>T (p.Ala7220Ser)

Gene: MACF1 (microtubule actin crosslinking factor 1; plus strand). Cytogenetic location: 1p34.3.
Variant type: single nucleotide variant.
Coding change: c.21658G>T on transcript NM_001394062.1 (MANE Select); coding-DNA position 21658, G replaced by T.
Protein change: p.Ala7220Ser; replaces alanine 7220 with serine.
Molecular consequence: missense variant.
Genome position (GRCh38, 1-based): chr1:39,462,017, G>T. VCF-style: chr1-39462017-G-T. GRCh37 (hg19) VCF-style: chr1-39927689-G-T.
Other names: c.9736G>T, p.Ala3246Ser (NM_001397473.1); c.15481G>T, p.Ala5161Ser (NM_012090.5); short protein forms A3246S, A5161S, A7220S.
Identifiers: ClinVar variation 1710898 (VCV001710898.2), dbSNP rs2523339894, ClinGen allele CA339774209.

ClinVar aggregate classification (germline): Uncertain significance (1 of 4 stars; one submission).

Submission:

GeneDx
Classification: Uncertain significance. Last evaluated: 2022-04-13. Review status: criteria provided, single submitter. Criteria: GeneDx Variant Classification Process June 2021. Collection method: clinical testing. Allele origin: germline. Affected: yes.
Comment: Not observed at significant frequency in large population cohorts (gnomAD); In silico analysis supports that this missense variant has a deleterious effect on protein structure/function; Has not been previously published as pathogenic or benign to our knowledge